The following is an entry in ClinVar:

NM_001457.4(FLNB):c.5203C>G (p.Pro1735Ala)

Gene: FLNB (filamin B; plus strand). Cytogenetic location: 3p14.3.
Variant type: single nucleotide variant.
Coding change: c.5203C>G on transcript NM_001457.4 (MANE Select); coding-DNA position 5203, C replaced by G.
Protein change: p.Pro1735Ala; replaces proline 1735 with alanine.
Molecular consequence: missense variant.
Genome position (GRCh38, 1-based): chr3:58,142,671, C>G. VCF-style: chr3-58142671-C-G. GRCh37 (hg19) VCF-style: chr3-58128398-C-G.
Other names: c.5296C>G, p.Pro1766Ala (NM_001164317.2); c.5170C>G, p.Pro1724Ala (NM_001164318.2); c.5131C>G, p.Pro1711Ala (NM_001164319.2); short protein forms P1711A, P1724A, P1766A, P1735A.
Identifiers: ClinVar variation 3635736 (VCV003635736.2).

ClinVar aggregate classification (germline): Uncertain significance (1 of 4 stars; one submission).

Submission:

Labcorp Genetics (formerly Invitae), Labcorp
Classification: Uncertain significance. Last evaluated: 2024-09-25. Review status: criteria provided, single submitter. Criteria: Invitae Variant Classification Sherloc (09022015). Collection method: clinical testing. Allele origin: germline.
Comment: This sequence change replaces proline, which is neutral and non-polar, with alanine, which is neutral and non-polar, at codon 1735 of the FLNB protein (p.Pro1735Ala). This variant is not present in population databases (gnomAD no frequency). This variant has not been reported in the literature in individuals affected with FLNB-related conditions. Invitae Evidence Modeling of protein sequence and biophysical properties (such as structural, functional, and spatial information, amino acid conservation, physicochemical variation, residue mobility, and thermodynamic stability) indicates that this missense variant is not expected to disrupt FLNB protein function with a negative predictive value of 95%. In summary, the available evidence is currently insufficient to determine the role of this variant in disease. Therefore, it has been classified as a Variant of Uncertain Significance.